The following is an entry in ClinVar:

ClinVar aggregate classification (germline): Benign/Likely benign. Review status: criteria provided, multiple submitters, no conflicts (2 of 4 stars). 7 submissions from 7 submitters: Benign (1); Likely benign (6). Last evaluated 2026-08-03.

Conditions:
Cardiovascular phenotype. Identifiers: MedGen CN230736.
Hypertrophic cardiomyopathy 26. Also called: Cardiomyopathy, familial hypertrophic, 26. Identifiers: Orphanet 75249, MedGen C4310749, MONDO:0014883, OMIM 617047.
Myofibrillar myopathy 5. Also called: Filaminopathy (type); FILAMINOPATHY, AUTOSOMAL DOMINANT. Identifiers: Orphanet 171445, MedGen C1836050, MONDO:0012289, OMIM 609524.
Distal myopathy with posterior leg and anterior hand involvement. Also called: WILLIAMS DISTAL MYOPATHY. Identifiers: Orphanet 63273, MedGen C3279722, MONDO:0013550, OMIM 614065.
FLNC-related disorder. Also called: FLNC-related condition; FLNC-related disorders.

Allele frequency attached by ClinVar (database versions not stated): gnomAD 0.00008; ExAC 0.00009; gnomAD exomes 0.00009; TOPMed 0.00009.
gnomAD v4.1: 115 of 1,587,788 alleles (0.0072%); highest among the groups gnomAD compares: Admixed American, 0.012%; no homozygotes.

Submissions (7):

PreventionGenetics, part of Exact Sciences
Classification: Likely benign for FLNC-related condition. Last evaluated: 2026-08-03. Review status: criteria provided, single submitter. Criteria: ACMG Guidelines, 2015. Collection method: clinical testing. Allele origin: germline.
Comment: This variant is classified as likely benign based on ACMG/AMP sequence variant interpretation guidelines (Richards et al. 2015 PMID: 25741868, with internal and published modifications).

Labcorp Genetics (formerly Invitae), Labcorp
Classification: Likely benign for Distal myopathy with posterior leg and anterior hand involvement; Myofibrillar myopathy 5; Hypertrophic cardiomyopathy 26. Last evaluated: 2026-01-06. Review status: criteria provided, single submitter. Criteria: Invitae Variant Classification Sherloc (09022015). Collection method: clinical testing. Allele origin: germline.

Women's Health and Genetics/Laboratory Corporation of America, LabCorp
Classification: Benign. Last evaluated: 2025-02-08. Review status: criteria provided, single submitter. Criteria: LabCorp Variant Classification Summary - May 2015. Collection method: clinical testing. Allele origin: germline.

CeGaT Center for Human Genetics Tuebingen
Classification: Likely benign. Last evaluated: 2025-01-01. Review status: criteria provided, single submitter. Criteria: CeGaT Center For Human Genetics Tuebingen Variant Classification Criteria Version 2. Collection method: clinical testing. Allele origin: germline. Affected: yes. Observed: 6 variant alleles.
Comment: FLNC: BP4, BP7

Blueprint Genetics
Classification: Likely benign. Last evaluated: 2024-06-21. Review status: criteria provided, single submitter. Criteria: ACMG Guidelines, 2015. Collection method: clinical testing. Allele origin: germline.

GeneDx
Classification: Likely benign. Last evaluated: 2020-12-09. Review status: criteria provided, single submitter. Criteria: GeneDx Variant Classification Process June 2021. Collection method: clinical testing. Allele origin: germline. Affected: yes.

Ambry Genetics
Classification: Likely benign for Cardiovascular phenotype. Last evaluated: 2020-05-11. Review status: criteria provided, single submitter. Criteria: Ambry Variant Classification Scheme 2023. Collection method: clinical testing. Allele origin: germline.

NM_001458.5(FLNC):c.678C>T (p.Asp226=)

Gene: FLNC (filamin C; plus strand). Cytogenetic location: 7q32.1.
Variant type: single nucleotide variant.
Coding change: c.678C>T on transcript NM_001458.5 (MANE Select); coding-DNA position 678, C replaced by T.
Protein change: p.Asp226=; no amino-acid change (aspartic acid 226 retained).
Molecular consequence: synonymous variant.
Genome position (GRCh38, 1-based): chr7:128,837,236, C>T. VCF-style: chr7-128837236-C-T. GRCh37 (hg19) VCF-style: chr7-128477290-C-T.
Other names: c.678C>T, p.Asp226= (NM_001127487.2).
Identifiers: ClinVar variation 472146 (VCV000472146.45), dbSNP rs769791248, ClinGen allele CA4474092.